The following is an entry in ClinVar:

NM_000277.3(PAH):c.136G>C (p.Gly46Arg)

Gene: PAH (phenylalanine hydroxylase; minus strand). Cytogenetic location: 12q23.2.
Variant type: single nucleotide variant.
Coding change: c.136G>C on transcript NM_000277.3 (MANE Select); coding-DNA position 136, G replaced by C.
Protein change: p.Gly46Arg; replaces glycine 46 with arginine.
Molecular consequence: missense variant.
Genome position (GRCh38, 1-based): chr12:102,912,823, C>G on the plus strand (G>C on the coding strand, the complement: PAH is on the minus strand). VCF-style: chr12-102912823-C-G. GRCh37 (hg19) VCF-style: chr12-103306601-C-G.
Other names: c.136G>C, p.Gly46Arg (NM_001354304.2); short protein forms G46R.
Identifiers: ClinVar variation 619156 (VCV000619156.2), dbSNP rs74603784, ClinGen allele CA16020731.

ClinVar aggregate classification (germline): Likely pathogenic (3 of 4 stars; one submission).

Conditions:
Phenylketonuria (PKU). Also called: OLIGOPHRENIA PHENYLPYRUVICA; Phenylketonurias; FOLLING DISEASE; Phenylketonuria (PKU). Identifiers: Orphanet 716, MedGen C0031485, MONDO:0009861, OMIM 261600. Disease mechanism: loss of function.

gnomAD v4.1: 1 of 1,613,554 alleles (0.000062%); highest among the groups gnomAD compares: Non-Finnish European, 0.000085%; no homozygotes.

Submission:

ClinGen PAH Variant Curation Expert Panel
Classification: Likely pathogenic for Phenylketonuria. Last evaluated: 2018-12-10. Review status: reviewed by expert panel. Criteria: ClinGen PAH ACMG Specifications v1. Collection method: curation. Allele origin: germline. Inheritance: Autosomal recessive inheritance.
Comment: The c.136G>C (p.Gly46Arg) variant in PAH has been reported in 1 individual with classic PKU (BH4 deficiency not totally excluded). (PP4; PMID: 25920592). This variant is absent in population databases (PM2). This variant was detected with a novel large deletion of exons 12 and 13: c.1200-?_1359+?del (EX12_13del). Computational evidence support a deleterious effect. A different pathogenic missense change has been seen at p.G46 (p.G46S) In summary, this variant meets criteria to be classified as likely pathogenic for PAH. PAH-specific ACMG/AMP criteria applied: PP4, PM2, PM5, PP3.

Literature cited by the submitters: PubMed 25920592.